The following is an entry in ClinVar:

NM_000088.4(COL1A1):c.1183G>A (p.Gly395Ser)

Gene: COL1A1 (collagen type I alpha 1 chain; minus strand). Cytogenetic location: 17q21.33.
Variant type: single nucleotide variant.
Coding change: c.1183G>A on transcript NM_000088.4 (MANE Select); coding-DNA position 1183, G replaced by A.
Protein change: p.Gly395Ser; replaces glycine 395 with serine.
Molecular consequence: missense variant.
Genome position (GRCh38, 1-based): chr17:50,195,451, C>T on the plus strand (G>A on the coding strand, the complement: COL1A1 is on the minus strand). VCF-style: chr17-50195451-C-T. GRCh37 (hg19) VCF-style: chr17-48272812-C-T.
Other names: short protein forms G395S.
Identifiers: ClinVar variation 4070581 (VCV004070581.1).

ClinVar aggregate classification (germline): Pathogenic (1 of 4 stars; one submission).

Submission:

GeneDx
Classification: Pathogenic. Last evaluated: 2025-01-21. Review status: criteria provided, single submitter. Criteria: GeneDx Variant Classification Process June 2021. Collection method: clinical testing. Allele origin: germline. Affected: yes.
Comment: Reported in an individual with osteogenesis type III in published literature (PMID: 17078022); Occurs in the triple helical domain and replaces the glycine in the canonical Gly-X-Y repeat; missense substitution of a canonical glycine residue is expected to disrupt normal protein folding and function, and this is an established mechanism of disease (HGMD); In silico analysis supports that this missense variant has a deleterious effect on protein structure/function; Not observed at significant frequency in large population cohorts (gnomAD); This variant is associated with the following publications: (PMID: 25525159, 17078022)